The following is an entry in ClinVar:

NM_001903.5(CTNNA1):c.460C>G (p.Leu154Val)

Gene: CTNNA1 (catenin alpha 1; plus strand). Cytogenetic location: 5q31.2.
Variant type: single nucleotide variant.
Coding change: c.460C>G on transcript NM_001903.5 (MANE Select); coding-DNA position 460, C replaced by G.
Protein change: p.Leu154Val; replaces leucine 154 with valine.
Molecular consequence: missense variant.
Genome position (GRCh38, 1-based): chr5:138,810,196, C>G. VCF-style: chr5-138810196-C-G. GRCh37 (hg19) VCF-style: chr5-138145885-C-G.
Other names: c.460C>G, p.Leu154Val (NM_001290307.3, NM_001323982.2, NM_001323983.1 and 3 more transcripts); c.151C>G, p.Leu51Val (NM_001290309.3); c.91C>G, p.Leu31Val (NM_001290310.3); short protein forms L154V, L31V, L51V.
Identifiers: ClinVar variation 1513310 (VCV001513310.9), dbSNP rs1758533159, ClinGen allele CA361123761.

ClinVar aggregate classification (germline): Uncertain significance. Review status: criteria provided, multiple submitters, no conflicts (2 of 4 stars). 2 submissions from 2 submitters: Uncertain significance (2). Last evaluated 2025-07-16.

Conditions:
Hereditary cancer-predisposing syndrome. Also called: Tumor predisposition; Neoplastic Syndromes, Hereditary; Hereditary neoplastic syndrome; Hereditary Cancer Syndrome. Identifiers: Orphanet 140162, MedGen C0027672, MeSH D009386, MONDO:0015356.

Allele frequency attached by ClinVar (database versions not stated): gnomAD exomes below 0.00001.
gnomAD v4.1: 1 of 1,613,890 alleles (0.000062%); highest among the groups gnomAD compares: African/African-American, 0.0013%; no homozygotes.

Submissions (2):

Ambry Genetics
Classification: Uncertain significance for Hereditary cancer-predisposing syndrome. Last evaluated: 2025-07-16. Review status: criteria provided, single submitter. Criteria: Ambry Variant Classification Scheme 2023. Collection method: clinical testing. Allele origin: germline.
Comment: The p.L154V variant (also known as c.460C>G), located in coding exon 3 of the CTNNA1 gene, results from a C to G substitution at nucleotide position 460. The leucine at codon 154 is replaced by valine, an amino acid with highly similar properties. This amino acid position is conserved. In addition, the in silico prediction for this alteration is inconclusive. Since supporting evidence is limited at this time, the clinical significance of this alteration remains unclear.

Labcorp Genetics (formerly Invitae), Labcorp
Classification: Uncertain significance. Last evaluated: 2024-08-26. Review status: criteria provided, single submitter. Criteria: Invitae Variant Classification Sherloc (09022015). Collection method: clinical testing. Allele origin: germline.
Comment: This sequence change replaces leucine, which is neutral and non-polar, with valine, which is neutral and non-polar, at codon 154 of the CTNNA1 protein (p.Leu154Val). This variant is not present in population databases (gnomAD no frequency). This variant has not been reported in the literature in individuals affected with CTNNA1-related conditions. ClinVar contains an entry for this variant (Variation ID: 1513310). Invitae Evidence Modeling of protein sequence and biophysical properties (such as structural, functional, and spatial information, amino acid conservation, physicochemical variation, residue mobility, and thermodynamic stability) indicates that this missense variant is not expected to disrupt CTNNA1 protein function with a negative predictive value of 80%. Algorithms developed to predict the effect of sequence changes on RNA splicing suggest that this variant may create or strengthen a splice site. In summary, the available evidence is currently insufficient to determine the role of this variant in disease. Therefore, it has been classified as a Variant of Uncertain Significance.